The following is an entry in ClinVar:

ClinVar aggregate classification (germline): Likely benign. Review status: criteria provided, multiple submitters, no conflicts (2 of 4 stars). 2 submissions from 2 submitters: Likely benign (2). Last evaluated 2025-08-30.

Conditions:
Familial cancer of breast. Also called: hereditary breast carcinoma; Hereditary breast cancer; BREAST CANCER, FAMILIAL. Identifiers: Orphanet 227535, MedGen C0346153, MONDO:0016419, OMIM 114480. Disease mechanism: loss of function.

Submissions (2):

Labcorp Genetics (formerly Invitae), Labcorp
Classification: Likely benign for Familial cancer of breast. Last evaluated: 2025-08-30. Review status: criteria provided, single submitter. Criteria: Invitae Variant Classification Sherloc (09022015). Collection method: clinical testing. Allele origin: germline.

Myriad Genetics, Inc.
Classification: Likely benign for Familial cancer of breast. Last evaluated: 2024-10-03. Review status: criteria provided, single submitter. Criteria: Myriad Autosomal Dominant, Autosomal Recessive and X-Linked Classification Criteria (2023). Collection method: clinical testing. Allele origin: unknown.
Comment: This variant is considered likely benign. This variant is intronic and is not expected to impact mRNA splicing.

NM_007194.4(CHEK2):c.846+7A>T

Gene: CHEK2 (checkpoint kinase 2; minus strand). Cytogenetic location: 22q12.1.
Variant type: single nucleotide variant.
Coding change: c.846+7A>T on transcript NM_007194.4 (MANE Select); 7 bases into the intron after coding-DNA position 846, A replaced by T.
Molecular consequence: intron variant.
Genome position (GRCh38, 1-based): chr22:28,709,999, T>A on the plus strand (A>T on the coding strand, the complement: CHEK2 is on the minus strand). VCF-style: chr22-28709999-T-A. GRCh37 (hg19) VCF-style: chr22-29105987-T-A.
Other names: c.183+7A>T (NM_001437942.1, NM_001257387.3); c.645+7A>T (NM_001349956.3); c.846+7A>T (NM_145862.3); c.939+7A>T (NM_001438295.1, NM_001438293.1); c.975+7A>T (NM_001438294.1, NM_001005735.3).
Identifiers: ClinVar variation 2862439 (VCV002862439.4), dbSNP rs763340730, ClinGen allele CA2737857705.